The following is an entry in ClinVar:

ClinVar aggregate classification (germline): Benign/Likely benign. Review status: criteria provided, multiple submitters, no conflicts (2 of 4 stars). 2 submissions from 2 submitters: Benign (1); Likely benign (1). Last evaluated 2026-03-30.

Conditions:
Familial adenomatous polyposis 1 (FAP1). Also called: FAMILIAL ADENOMATOUS POLYPOSIS 1, ATTENUATED; POLYPOSIS, ADENOMATOUS INTESTINAL. Identifiers: MedGen C2713442, MONDO:0021056, OMIM 175100. Disease mechanism: loss of function.
Hereditary cancer-predisposing syndrome. Also called: Tumor predisposition; Hereditary neoplastic syndrome; Neoplastic Syndromes, Hereditary; Hereditary Cancer Syndrome. Identifiers: Orphanet 140162, MedGen C0027672, MeSH D009386, MONDO:0015356.

Allele frequency attached by ClinVar (database versions not stated): gnomAD exomes below 0.00001.
gnomAD v4.1: 2 of 1,595,604 alleles (0.00013%); highest among the groups gnomAD compares: Non-Finnish European, 0.00017%; no homozygotes.

Submissions (2):

Ambry Genetics
Classification: Likely benign for Hereditary cancer-predisposing syndrome. Last evaluated: 2026-03-30. Review status: criteria provided, single submitter. Criteria: Ambry Variant Classification Scheme 2023. Collection method: clinical testing. Allele origin: germline.

Myriad Genetics, Inc.
Classification: Benign for Familial adenomatous polyposis 1. Last evaluated: 2024-02-22. Review status: criteria provided, single submitter. Criteria: Myriad Autosomal Dominant, Autosomal Recessive and X-Linked Classification Criteria (2023). Collection method: clinical testing. Allele origin: unknown.
Comment: This variant is considered benign. This variant is a silent/synonymous amino acid change and it is not expected to impact splicing.

NM_000038.6(APC):c.141A>G (p.Val47=)

Gene: APC (APC regulator of Wnt signaling pathway; plus strand). Cytogenetic location: 5q22.2.
Variant type: single nucleotide variant.
Coding change: c.141A>G on transcript NM_000038.6 (MANE Select); coding-DNA position 141, A replaced by G.
Protein change: p.Val47=; no amino-acid change (valine 47 retained).
Molecular consequence: synonymous variant. On other transcripts: 5 prime UTR variant (8), non-coding transcript variant (2).
Genome position (GRCh38, 1-based): chr5:112,766,331, A>G. VCF-style: chr5-112766331-A-G. GRCh37 (hg19) VCF-style: chr5-112102028-A-G.
Other names: c.141A>G, p.Val47= (NM_001127510.3, NM_001354895.2, NM_001354896.2 and 16 more transcripts); c.171A>G, p.Val57= (NM_001127511.3, NM_001354897.2, NM_001354902.2 and 1 more transcripts); c.66A>G, p.Val22= (NM_001354898.2, NM_001354904.2, NM_001407451.1); c.-37A>G (NM_001354900.2, NM_001354901.2, NM_001354905.2 and 1 more transcripts); c.-895A>G (NM_001354906.2, NM_001407470.1, NM_001407471.1 and 1 more transcripts); c.141A>G (NM_000038.5).
Identifiers: ClinVar variation 3148740 (VCV003148740.2), dbSNP rs2149783815, ClinGen allele CA445752976.